The following is an entry in ClinVar:

NM_020461.4(TUBGCP6):c.3802_3803dup (p.His1269fs)

Gene: TUBGCP6 (tubulin gamma complex component 6; minus strand). Cytogenetic location: 22q13.33.
Variant type: Microsatellite.
Coding change: c.3802_3803dup on transcript NM_020461.4 (MANE Select); coding-DNA positions 3802 to 3803, 2 bases duplicated (AC; older notation c.3802_3803dupAC).
Protein change: p.His1269fs; shifts the reading frame from histidine 1269.
Molecular consequence: frameshift variant.
Genome position (GRCh38, 1-based): chr22:50,220,556-50,220,557, GT duplicated on the plus strand (AC on the coding strand, the reverse complement: TUBGCP6 is on the minus strand); duplicating any 2 consecutive bases within chr22:50,220,556-50,220,559 gives the same sequence; the c. name uses the placement nearest the transcript's 3' end. VCF-style (leftmost placement, unchanged base first): chr22-50220555-G-GGT. GRCh37 (hg19) VCF-style: chr22-50658984-G-GGT.
Other names: short protein forms H1269fs.
Identifiers: ClinVar variation 941525 (VCV000941525.7), dbSNP rs2064500789, ClinGen allele CA2410730361.

ClinVar aggregate classification (germline): Pathogenic (1 of 4 stars; one submission).

Submission:

Labcorp Genetics (formerly Invitae), Labcorp
Classification: Pathogenic. Last evaluated: 2024-01-23. Review status: criteria provided, single submitter. Criteria: Invitae Variant Classification Sherloc (09022015). Collection method: clinical testing. Allele origin: germline.
Comment: This sequence change creates a premature translational stop signal (p.His1269Profs*56) in the TUBGCP6 gene. It is expected to result in an absent or disrupted protein product. Loss-of-function variants in TUBGCP6 are known to be pathogenic (PMID: 25344692). This variant is not present in population databases (gnomAD no frequency). This variant has not been reported in the literature in individuals affected with TUBGCP6-related conditions. ClinVar contains an entry for this variant (Variation ID: 941525). For these reasons, this variant has been classified as Pathogenic.

Literature cited by the submitters: PubMed 25344692.